The following is an entry in ClinVar:

ClinVar aggregate classification (germline): Pathogenic. Review status: criteria provided, multiple submitters, no conflicts (2 of 4 stars). 3 submissions from 3 submitters: Pathogenic (3). Last evaluated 2026-01-22.

Conditions:
Hereditary cancer-predisposing syndrome. Also called: Hereditary neoplastic syndrome; Tumor predisposition; Hereditary Cancer Syndrome; Neoplastic Syndromes, Hereditary. Identifiers: Orphanet 140162, MedGen C0027672, MeSH D009386, MONDO:0015356.
Juvenile polyposis syndrome (JPS). Identifiers: Orphanet 2929, MedGen C0345893, MONDO:0017380, OMIM 174900.

Submissions (3):

Ambry Genetics
Classification: Pathogenic for Hereditary cancer-predisposing syndrome. Last evaluated: 2026-01-22. Review status: criteria provided, single submitter. Criteria: Ambry Variant Classification Scheme 2023. Collection method: clinical testing. Allele origin: germline.
Comment: The p.W438* pathogenic mutation (also known as c.1314G>A), located in coding exon 9 of the BMPR1A gene, results from a G to A substitution at nucleotide position 1314. This changes the amino acid from a tryptophan to a stop codon within coding exon 9. This variant is considered to be rare based on population cohorts in the Genome Aggregation Database (gnomAD). This alteration is expected to result in loss of function by premature protein truncation or nonsense-mediated mRNA decay. As such, this alteration is interpreted as a disease-causing mutation.

Myriad Genetics, Inc.
Classification: Pathogenic for Juvenile polyposis syndrome. Last evaluated: 2026-01-13. Review status: criteria provided, single submitter. Criteria: Myriad Autosomal Dominant, Autosomal Recessive and X-Linked Classification Criteria (2023). Collection method: clinical testing. Allele origin: unknown.
Comment: This variant is considered pathogenic. This variant creates a termination codon and is predicted to result in premature protein truncation.

Labcorp Genetics (formerly Invitae), Labcorp
Classification: Pathogenic for Juvenile polyposis syndrome. Last evaluated: 2021-12-24. Review status: criteria provided, single submitter. Criteria: Invitae Variant Classification Sherloc (09022015). Collection method: clinical testing. Allele origin: germline.
Comment: This variant has not been reported in the literature in individuals affected with BMPR1A-related conditions. This variant is not present in population databases (gnomAD no frequency). ClinVar contains an entry for this variant (Variation ID: 569831). For these reasons, this variant has been classified as Pathogenic. This sequence change creates a premature translational stop signal (p.Trp438*) in the BMPR1A gene. It is expected to result in an absent or disrupted protein product. Loss-of-function variants in BMPR1A are known to be pathogenic (PMID: 11536076, 12417513).

Literature cited by the submitters: PubMed 11536076 (cited by Labcorp Genetics (formerly Invitae), Labcorp); PubMed 12417513 (cited by Labcorp Genetics (formerly Invitae), Labcorp).

NM_004329.3(BMPR1A):c.1314G>A (p.Trp438Ter)

Gene: BMPR1A (bone morphogenetic protein receptor type 1A; plus strand). Cytogenetic location: 10q23.2.
Variant type: single nucleotide variant.
Coding change: c.1314G>A on transcript NM_004329.3 (MANE Select); coding-DNA position 1314, G replaced by A.
Protein change: p.Trp438Ter; replaces tryptophan 438 with a stop codon.
Molecular consequence: nonsense.
Genome position (GRCh38, 1-based): chr10:86,921,667, G>A. VCF-style: chr10-86921667-G-A. GRCh37 (hg19) VCF-style: chr10-88681424-G-A.
Other names: short protein forms W438*.
Identifiers: ClinVar variation 569831 (VCV000569831.11), dbSNP rs1564725052, ClinGen allele CA377462370.
Genomic context (GRCh38, chr10:86,921,667, plus strand): 5'-CAAAAACCACTTCCAGCCCTACATCATGGCTGACATCTACAGCTTCGGCCTAATCATTTG[G>A]GAGATGGCTCGTCGTTGTATCACAGGAGGTGGGAGTTTGAGTAGTTTCTGATTATGTTGA-3'